The following is an entry in ClinVar:

NM_181552.4(CUX1):c.2229C>G (p.Pro743=)

Gene: CUX1 (cut like homeobox 1; plus strand). Cytogenetic location: 7q22.1.
Variant type: single nucleotide variant.
Coding change: c.2229C>G on transcript NM_181552.4 (MANE Select); coding-DNA position 2229, C replaced by G.
Protein change: p.Pro743=; no amino-acid change (proline 743 retained).
Molecular consequence: synonymous variant. On other transcripts: intron variant (5).
Genome position (GRCh38, 1-based): chr7:102,201,526, C>G. VCF-style: chr7-102201526-C-G. GRCh37 (hg19) VCF-style: chr7-101844806-C-G.
Other names: c.2262C>G, p.Pro754= (NM_001202543.2); c.1255+5923C>G (NM_001913.5); c.1249+5923C>G (NM_181500.4); c.1117+5923C>G (NM_001202545.3); c.1207+5923C>G (NM_001202544.3); c.1138+5923C>G (NM_001202546.3).
Identifiers: ClinVar variation 3067549 (VCV003067549.21), dbSNP rs540144289, ClinGen allele CA4411012.

ClinVar aggregate classification (germline): Likely benign (1 of 4 stars; one submission).

Allele frequency attached by ClinVar (database versions not stated): gnomAD 0.00001; TOPMed 0.00001; ExAC 0.00002; gnomAD exomes 0.00004.
gnomAD v4.1: 57 of 1,614,084 alleles (0.0035%); highest among the groups gnomAD compares: Non-Finnish European, 0.0046%; no homozygotes.

Submission:

CeGaT Center for Human Genetics Tuebingen
Classification: Likely benign. Last evaluated: 2024-03-01. Review status: criteria provided, single submitter. Criteria: CeGaT Center For Human Genetics Tuebingen Variant Classification Criteria Version 2. Collection method: clinical testing. Allele origin: germline. Affected: yes. Observed: 1 variant allele.
Comment: CUX1: BP4